The following is an entry in ClinVar:

ClinVar aggregate classification (germline): Benign/Likely benign. Review status: criteria provided, multiple submitters, no conflicts (2 of 4 stars). 8 submissions from 8 submitters: Benign (5); Likely benign (2). 1 of the submissions does not count toward it. Last evaluated 2026-05-13.

Conditions:
ANKRD11-related disorder. Also called: ANKRD11-related condition.
Inborn genetic diseases. Identifiers: MedGen C0950123, MeSH D030342.
KBG syndrome (KBGS). Also called: ANKRD11-Related KBG Syndrome. Identifiers: Orphanet 2332, MedGen C0220687, MONDO:0007846, OMIM 148050.

Allele frequency attached by ClinVar (database versions not stated): gnomAD exomes 0.00042 and 0.00117; ExAC 0.00154; gnomAD 0.00471 and 0.00490; TOPMed 0.00505; ESP Exome Variant Server 0.00546; 1000 Genomes Project 0.00739; 1000 Genomes Project 30x 0.00781.
gnomAD v4.1: 1,359 of 1,613,840 alleles (0.084%); highest among the groups gnomAD compares: African/African-American, 1.5%; 13 homozygotes.

Submissions (8):

Women's Health and Genetics/Laboratory Corporation of America, LabCorp
Classification: Benign. Last evaluated: 2026-05-13. Review status: criteria provided, single submitter. Criteria: LabCorp Variant Classification Summary - May 2015. Collection method: clinical testing. Allele origin: germline.

Labcorp Genetics (formerly Invitae), Labcorp
Classification: Benign for KBG syndrome. Last evaluated: 2026-02-01. Review status: criteria provided, single submitter. Criteria: Invitae Variant Classification Sherloc (09022015). Collection method: clinical testing. Allele origin: germline.

ARUP Laboratories, Molecular Genetics and Genomics, ARUP Laboratories
Classification: Benign for KBG syndrome. Last evaluated: 2025-03-06. Review status: criteria provided, single submitter. Criteria: ARUP Molecular Germline Variant Investigation Process 2024. Collection method: clinical testing. Allele origin: germline.

Genome-Nilou Lab
Classification: Benign for KBG syndrome. Last evaluated: 2021-12-05. Review status: criteria provided, single submitter. Criteria: ACMG Guidelines, 2015. Collection method: clinical testing. Allele origin: germline. Affected: no.

GeneDx
Classification: Likely benign. Last evaluated: 2020-12-02. Review status: criteria provided, single submitter. Criteria: GeneDx Variant Classification Process June 2021. Collection method: clinical testing. Allele origin: germline. Affected: yes.

Ambry Genetics
Classification: Benign for Inborn genetic diseases. Last evaluated: 2016-06-23. Review status: criteria provided, single submitter. Criteria: Ambry Variant Classification Scheme 2023. Collection method: clinical testing. Allele origin: germline.

Breakthrough Genomics
Classification: Likely benign. Review status: criteria provided, single submitter. Criteria: ACMG Guidelines, 2015. Collection method: not provided. Allele origin: germline. Inheritance: Autosomal dominant inheritance. Affected: yes.

PreventionGenetics, part of Exact Sciences
Classification: Benign for ANKRD11-related condition. Last evaluated: 2024-07-01. Review status: no assertion criteria provided. Collection method: clinical testing. Allele origin: germline. Not counted in ClinVar's aggregate classification.
Comment: This variant is classified as benign based on ACMG/AMP sequence variant interpretation guidelines (Richards et al. 2015 PMID: 25741868, with internal and published modifications).

NM_013275.6(ANKRD11):c.1245C>T (p.Asp415=)

Gene: ANKRD11 (ankyrin repeat domain 11; minus strand). Cytogenetic location: 16q24.3.
Variant type: single nucleotide variant.
Coding change: c.1245C>T on transcript NM_013275.6 (MANE Select); coding-DNA position 1245, C replaced by T.
Protein change: p.Asp415=; no amino-acid change (aspartic acid 415 retained).
Molecular consequence: synonymous variant.
Genome position (GRCh38, 1-based): chr16:89,285,297, G>A on the plus strand (C>T on the coding strand, the complement: ANKRD11 is on the minus strand). VCF-style: chr16-89285297-G-A. GRCh37 (hg19) VCF-style: chr16-89351705-G-A.
Other names: c.1245C>T, p.Asp415= (NM_001256182.2, NM_001256183.2).
Identifiers: ClinVar variation 588646 (VCV000588646.24), dbSNP rs79499872, ClinGen allele CA8242830.